The following is an entry in ClinVar:

NM_004725.4(BUB3):c.929G>A (p.Gly310Asp)

Gene: BUB3 (BUB3 mitotic checkpoint protein; plus strand). Cytogenetic location: 10q26.13.
Variant type: single nucleotide variant.
Coding change: c.929G>A on transcript NM_004725.4 (MANE Select); coding-DNA position 929, G replaced by A.
Protein change: p.Gly310Asp; replaces glycine 310 with aspartic acid.
Molecular consequence: missense variant.
Genome position (GRCh38, 1-based): chr10:123,162,786, G>A. VCF-style: chr10-123162786-G-A. GRCh37 (hg19) VCF-style: chr10-124922302-G-A.
Other names: c.929G>A, p.Gly310Asp (NM_001007793.3); short protein forms G310D.
Identifiers: ClinVar variation 1766459 (VCV001766459.3), dbSNP rs1482889609, ClinGen allele CA378627232.

ClinVar aggregate classification (germline): Uncertain significance (1 of 4 stars; one submission).

Allele frequency attached by ClinVar (database versions not stated): gnomAD exomes 0.00001.
gnomAD v4.1: 3 of 1,613,674 alleles (0.00019%); highest among the groups gnomAD compares: Admixed American, 0.0017%; no homozygotes.

Submission:

Ambry Genetics
Classification: Uncertain significance. Last evaluated: 2024-07-11. Review status: criteria provided, single submitter. Criteria: Ambry Variant Classification Scheme 2023. Collection method: clinical testing. Allele origin: germline.
Comment: The p.G310D variant (also known as c.929G>A), located in coding exon 6 of the BUB3 gene, results from a G to A substitution at nucleotide position 929. The glycine at codon 310 is replaced by aspartic acid, an amino acid with similar properties. This amino acid position is conserved. In addition, this alteration is predicted to be tolerated by in silico analysis. Since supporting evidence is limited at this time, the clinical significance of this alteration remains unclear.